The following is an entry in ClinVar:

ClinVar aggregate classification (germline): Pathogenic (1 of 4 stars; one submission).

Submission:

Labcorp Genetics (formerly Invitae), Labcorp
Classification: Pathogenic. Last evaluated: 2023-09-14. Review status: criteria provided, single submitter. Criteria: Invitae Variant Classification Sherloc (09022015). Collection method: clinical testing. Allele origin: germline.
Comment: For these reasons, this variant has been classified as Pathogenic. This variant has not been reported in the literature in individuals affected with SLC12A1-related conditions. This variant is not present in population databases (gnomAD no frequency). This sequence change creates a premature translational stop signal (p.Arg63*) in the SLC12A1 gene. It is expected to result in an absent or disrupted protein product. Loss-of-function variants in SLC12A1 are known to be pathogenic (PMID: 8640224, 9585600, 19096086).

Literature cited by the submitters: PubMed 8640224; PubMed 9585600; PubMed 19096086.

NM_000338.3(SLC12A1):c.186dup (p.Arg63Ter)

Gene: SLC12A1 (solute carrier family 12 member 1; plus strand). Cytogenetic location: 15q21.1.
Variant type: Duplication.
Coding change: c.186dup on transcript NM_000338.3 (MANE Select); coding-DNA position 186, one base duplicated (T; older notation c.186dupT).
Protein change: p.Arg63Ter; replaces arginine 63 with a stop codon.
Molecular consequence: nonsense.
Genome position (GRCh38, 1-based): chr15:48,207,905, T duplicated; the last of 3 consecutive T bases (chr15:48,207,903-48,207,905); duplicating any one gives the same sequence. VCF-style (leftmost placement, unchanged base first): chr15-48207902-C-CT. GRCh37 (hg19) VCF-style: chr15-48500099-C-CT.
Other names: c.186dup, p.Arg63Ter (NM_001184832.2, NM_001384136.1); short protein forms R63*.
Identifiers: ClinVar variation 2800345 (VCV002800345.3), dbSNP rs2041000812, ClinGen allele CA2175404641.